The following is an entry in ClinVar:

ClinVar aggregate classification (germline): Uncertain significance (1 of 4 stars; one submission).

gnomAD v4.1: 1 of 1,496,402 alleles (0.000067%); highest among the groups gnomAD compares: Non-Finnish European, 0.000089%; no homozygotes.

Submission:

Labcorp Genetics (formerly Invitae), Labcorp
Classification: Uncertain significance. Last evaluated: 2025-07-23. Review status: criteria provided, single submitter. Criteria: Invitae Variant Classification Sherloc (09022015). Collection method: clinical testing. Allele origin: germline.
Comment: This sequence change replaces glutamic acid, which is acidic and polar, with valine, which is neutral and non-polar, at codon 57 of the DEAF1 protein (p.Glu57Val). This variant is not present in population databases (gnomAD no frequency). This variant has not been reported in the literature in individuals affected with DEAF1-related conditions. Invitae Evidence Modeling of protein sequence and biophysical properties (such as structural, functional, and spatial information, amino acid conservation, physicochemical variation, residue mobility, and thermodynamic stability) indicates that this missense variant is not expected to disrupt DEAF1 protein function with a negative predictive value of 80%. In summary, the available evidence is currently insufficient to determine the role of this variant in disease. Therefore, it has been classified as a Variant of Uncertain Significance.

NM_021008.4(DEAF1):c.170A>T (p.Glu57Val)

Gene: DEAF1 (DEAF1 transcription factor; minus strand). Cytogenetic location: 11p15.5.
Variant type: single nucleotide variant.
Coding change: c.170A>T on transcript NM_021008.4 (MANE Select); coding-DNA position 170, A replaced by T.
Protein change: p.Glu57Val; replaces glutamic acid 57 with valine.
Molecular consequence: missense variant. On other transcripts: 5 prime UTR variant (3), intron variant (1).
Genome position (GRCh38, 1-based): chr11:694,878, T>A on the plus strand (A>T on the coding strand, the complement: DEAF1 is on the minus strand). VCF-style: chr11-694878-T-A. GRCh37 (hg19) VCF-style: chr11-694878-T-A.
Other names: c.170A>T, p.Glu57Val (NM_001440884.1, NM_001293634.2, NM_001440883.1); c.-427A>T (NM_001440885.1); c.-1827A>T (NM_001440886.1); c.-637A>T (NM_001440887.1); c.-437-3280A>T (NM_001367390.1); short protein forms E57V.
Identifiers: ClinVar variation 4768132 (VCV004768132.1).
Genomic context (GRCh38, chr11:694,878, plus strand): 5'-TCCATGTGCCCGGGCTCCGCCGCCATCACCGCCACTGCCGTGACCCGCGGCGTCTCCCGC[T>A]CCGCCTCCGAGTCTGCGTCCTCCTCCGAGTCCTCGTCCCTGCTCAGCACCGGCTCCTCCG-3'
Protein context (NP_066288.2, residues 47-67): DSEEDADSEA[Glu57Val]RETPRVTAVA